The following is an entry in ClinVar:

NC_000009.11:g.(?_328002)_(464219_?)dup

Gene: DOCK8 (dedicator of cytokinesis 8; plus strand). Cytogenetic location: 9p24.3.
Variant type: Duplication.
Identifiers: ClinVar variation 3245233 (VCV003245233.1).

ClinVar aggregate classification (germline): Uncertain significance (1 of 4 stars; one submission).

Submission:

Labcorp Genetics (formerly Invitae), Labcorp
Classification: Uncertain significance. Last evaluated: 2023-09-01. Review status: criteria provided, single submitter. Criteria: Invitae Variant Classification Sherloc (09022015). Collection method: clinical testing. Allele origin: unknown.
Comment: In summary, the available evidence is currently insufficient to determine the role of this variant in disease. Therefore, it has been classified as a Variant of Uncertain Significance. Experimental studies and prediction algorithms are not available or were not evaluated, and the functional significance of this variant is currently unknown. This variant has not been reported in the literature in individuals affected with DOCK8-related conditions. This variant results in a copy number gain of the genomic region encompassing exon(s) 9-48 of the DOCK8 gene. This region includes the termination codon of the gene. This copy number gain extends beyond the assayed region for this gene and therefore may encompass additional genes. As the precise location of this event is unknown, it may be in tandem or it may be located elsewhere in the genome.